The following is an entry in ClinVar:

ClinVar aggregate classification (germline): Pathogenic. Review status: reviewed by expert panel (3 of 4 stars). 2 submissions from 2 submitters: Pathogenic (1). 1 of the submissions does not count toward it. Last evaluated 2022-03-08.

Conditions:
Very long chain acyl-CoA dehydrogenase deficiency (ACADVLD). Also called: VLCAD Deficiency; Very Long-Chain Acyl-Coenzyme A Dehydrogenase Deficiency. Identifiers: Orphanet 26793, MedGen C3887523, MONDO:0008723, OMIM 201475.

Submissions (2):

ClinGen ACADVL Variant Curation Expert Panel, ClinGen
Classification: Pathogenic for Very long chain acyl-CoA dehydrogenase deficiency. Last evaluated: 2022-03-08. Review status: reviewed by expert panel. Criteria: clingen acadvl acmg specifications v1. Collection method: curation. Allele origin: germline. Inheritance: Autosomal recessive inheritance.
Comment: The NM_000018.4: c.103_112dup10 (p.Arg38ProfsTer24) variant in ACADVL is a frameshift variant predicted to cause a premature stop codon in biologically relevant exon 2/20 leading to nonsense mediated decay in a gene in which loss-of-function is an established disease mechanism (PVS1; PMIDs 9973285, 11590124). This variant has been detected in at least 2 individuals with very long chain acyl CoA dehydrogenase (VLCAD) deficiency identified by increased C14:1 levels by newborn screen and one of these individuals had an acylcarnitine analysis consistent with VLCAD deficiency (PP4_moderate; PMID: 29519241, 29768383). One of these individuals was homozygous for the variant (PM3_supporting; PMID: 29768383). This variant is absent from gnomAD v2.1.1 (PM2_supporting). In summary, this variant meets the criteria to be classified as pathogenic for autosomal recessive very long chain acyl-CoA dehydrogenase (VLCAD) deficiency based on the ACMG/AMP criteria applied, as specified by the ClinGen ACADVL Variant Curation Expert Panel: PVS1, PP4_moderate, PM3_supporting, PM2_supporting (VCEP specifications v2.0, approved on 09/16/2021).

Labcorp Genetics (formerly Invitae), Labcorp
Classification: Pathogenic for Very long chain acyl-CoA dehydrogenase deficiency. Last evaluated: 2023-04-09. Review status: criteria provided, single submitter. Criteria: Invitae Variant Classification Sherloc (09022015). Collection method: clinical testing. Allele origin: germline. Not counted in ClinVar's aggregate classification.
Comment: This premature translational stop signal has been observed in individual(s) with VLCAD deficiency (PMID: 29519241, 29768383). For these reasons, this variant has been classified as Pathogenic. ClinVar contains an entry for this variant (Variation ID: 1707706). This variant is present in population databases (no rsID available, gnomAD no frequency). This sequence change creates a premature translational stop signal (p.Arg38Profs*24) in the ACADVL gene. It is expected to result in an absent or disrupted protein product. Loss-of-function variants in ACADVL are known to be pathogenic (PMID: 9973285, 11590124).

Literature cited by the submitters: PubMed 29519241 (cited by Labcorp Genetics (formerly Invitae), Labcorp); PubMed 29768383 (cited by Labcorp Genetics (formerly Invitae), Labcorp); PubMed 9973285 (cited by Labcorp Genetics (formerly Invitae), Labcorp); PubMed 11590124 (cited by Labcorp Genetics (formerly Invitae), Labcorp).

NM_000018.4(ACADVL):c.103_112dup (p.Arg38fs)

Genes: ACADVL (acyl-CoA dehydrogenase very long chain; plus strand), LOC130060113 (ATAC-STARR-seq lymphoblastoid silent region 8088; plus strand). Cytogenetic location: 17p13.1.
Variant type: Duplication.
Coding change: c.103_112dup on transcript NM_000018.4 (MANE Select); coding-DNA positions 103 to 112, 10 bases duplicated (CCTGCCCGGC; older notation c.103_112dupCCTGCCCGGC).
Protein change: p.Arg38fs; shifts the reading frame from arginine 38.
Molecular consequence: frameshift variant. On other transcripts: 5 prime UTR variant (1).
Genome position (GRCh38, 1-based): chr17:7,220,162-7,220,171, CCTGCCCGGC duplicated; duplicating any 10 consecutive bases within chr17:7,220,155-7,220,171 gives the same sequence; the c. name uses the placement nearest the transcript's 3' end. VCF-style (leftmost placement, unchanged base first): chr17-7220154-G-GGCCCGGCCCT. GRCh37 (hg19) VCF-style: chr17-7123473-G-GGCCCGGCCCT.
Other names: NM_000018.4:c.103_112dup; c.103_112dup, p.Arg38fs (NM_001033859.3); c.172_181dup, p.Arg61fs (NM_001270447.2); c.-126_-117dup (NM_001270448.2); c.103_112dup10 (NM_000018.4); short protein forms R38fs, R61fs.
Identifiers: ClinVar variation 1707706 (VCV001707706.5), dbSNP rs1329022268, ClinGen allele CA624861219.